The following is an entry in ClinVar:

ClinVar aggregate classification (germline): Pathogenic/Likely pathogenic. Review status: criteria provided, multiple submitters, no conflicts (2 of 4 stars). 2 submissions from 2 submitters: Pathogenic (1); Likely pathogenic (1). Last evaluated 2025-11-18.

Conditions:
RPGR-related disorder. Also called: RPGR-related condition.
Primary ciliary dyskinesia. Also called: Ciliary dyskinesia. Identifiers: Orphanet 244, MedGen C0008780, MONDO:0016575, HP:0012265.

Submissions (2):

Labcorp Genetics (formerly Invitae), Labcorp
Classification: Pathogenic for Primary ciliary dyskinesia. Last evaluated: 2025-11-18. Review status: criteria provided, single submitter. Criteria: Invitae Variant Classification Sherloc (09022015). Collection method: clinical testing. Allele origin: germline.
Comment: This sequence change creates a premature translational stop signal (p.Glu376*) in the RPGR gene. It is expected to result in an absent or disrupted protein product. Loss-of-function variants in RPGR are known to be pathogenic (PMID: 16055928, 16969763). This variant is not present in population databases (gnomAD no frequency). This premature translational stop signal has been observed in individual(s) with retinitis pigmentosa (PMID: 21857984, 31953110). ClinVar contains an entry for this variant (Variation ID: 867065). Algorithms developed to predict the effect of sequence changes on RNA splicing suggest that this variant may disrupt the consensus splice site. For these reasons, this variant has been classified as Pathogenic.

Blueprint Genetics
Classification: Likely pathogenic for RPGR-related disorders. Last evaluated: 2021-07-13. Review status: criteria provided, single submitter. Criteria: ACMG Guidelines, 2015. Collection method: clinical testing. Allele origin: germline. Affected: yes. Observed: 3 variant alleles.

Literature cited by the submitters: PubMed 16055928 (cited by Labcorp Genetics (formerly Invitae), Labcorp); PubMed 16969763 (cited by Labcorp Genetics (formerly Invitae), Labcorp); PubMed 21857984 (cited by Labcorp Genetics (formerly Invitae), Labcorp); PubMed 31953110 (cited by Labcorp Genetics (formerly Invitae), Labcorp).

NM_001034853.2(RPGR):c.1126G>T (p.Glu376Ter)

Gene: RPGR (retinitis pigmentosa GTPase regulator; minus strand). Cytogenetic location: Xp11.4.
Variant type: single nucleotide variant.
Coding change: c.1126G>T on transcript NM_001034853.2 (MANE Select); coding-DNA position 1126, G replaced by T.
Protein change: p.Glu376Ter; replaces glutamic acid 376 with a stop codon.
Molecular consequence: nonsense. On other transcripts: non-coding transcript variant (6), intron variant (2).
Genome position (GRCh38, 1-based): chrX:38,299,075, C>A on the plus strand (G>T on the coding strand, the complement: RPGR is on the minus strand). VCF-style: chrX-38299075-C-A. GRCh37 (hg19) VCF-style: chrX-38158328-C-A.
Other names: c.1126G>T, p.Glu376Ter (NM_000328.3, NM_001367247.1); c.1123G>T, p.Glu375Ter (NM_001367245.1, NM_001367249.1, NM_001367250.1); c.1156G>T, p.Glu386Ter (NM_001367248.1); c.1060-1623G>T (NM_001367251.1, NM_001367246.1); short protein forms E375*, E376*, E386*.
Identifiers: ClinVar variation 867065 (VCV000867065.7), dbSNP rs2067451355, ClinGen allele CA412739955.
Genomic context (GRCh38, chrX:38,299,075, plus strand): 5'-AACTGCTATACGGCAGAAAAGTCGCCACAGATAAGCAAGTATCATTTATTTCATCGAATT[C>A]AATTTCTTTTGCCACACCACGATGAGGAGCAGCAAAAACTACCATGTGACATCCACCACA-3'